The following is an entry in ClinVar:

ClinVar aggregate classification (germline): Likely benign (1 of 4 stars; one submission).

gnomAD v4.1: 2 of 1,129,842 alleles (0.00018%); highest among the groups gnomAD compares: East Asian, 0.0061%; no homozygotes.

Submission:

CeGaT Center for Human Genetics Tuebingen
Classification: Likely benign. Last evaluated: 2024-09-01. Review status: criteria provided, single submitter. Criteria: CeGaT Center For Human Genetics Tuebingen Variant Classification Criteria Version 2. Collection method: clinical testing. Allele origin: germline. Affected: yes. Observed: 1 variant allele.
Comment: POU3F3: BP4, BP7

NM_006236.3(POU3F3):c.321C>T (p.Ala107=)

Gene: POU3F3 (POU class 3 homeobox 3; plus strand). Cytogenetic location: 2q12.1.
Variant type: single nucleotide variant.
Coding change: c.321C>T on transcript NM_006236.3 (MANE Select); coding-DNA position 321, C replaced by T.
Protein change: p.Ala107=; no amino-acid change (alanine 107 retained).
Molecular consequence: synonymous variant.
Genome position (GRCh38, 1-based): chr2:104,855,831, C>T. VCF-style: chr2-104855831-C-T. GRCh37 (hg19) VCF-style: chr2-105472289-C-T.
Identifiers: ClinVar variation 3341642 (VCV003341642.16).